The following is an entry in ClinVar:

NM_001256789.3(CACNA1F):c.4343T>A (p.Leu1448His)

Gene: CACNA1F (calcium voltage-gated channel subunit alpha1 F; minus strand). Cytogenetic location: Xp11.23.
Variant type: single nucleotide variant.
Coding change: c.4343T>A on transcript NM_001256789.3 (MANE Select); coding-DNA position 4343, T replaced by A.
Protein change: p.Leu1448His; replaces leucine 1448 with histidine.
Molecular consequence: missense variant.
Genome position (GRCh38, 1-based): chrX:49,211,010, A>T on the plus strand (T>A on the coding strand, the complement: CACNA1F is on the minus strand). VCF-style: chrX-49211010-A-T. GRCh37 (hg19) VCF-style: chrX-49067470-A-T.
Other names: c.4181T>A, p.Leu1394His (NM_001256790.3); c.4376T>A, p.Leu1459His (NM_005183.4); short protein forms L1394H, L1448H, L1459H.
Identifiers: ClinVar variation 961198 (VCV000961198.9), dbSNP rs2065652483, ClinGen allele CA412961244.
Genomic context (GRCh38, chrX:49,211,010, plus strand): 5'-GTATAGAGGGCATACTTGGCCCCAGGGTCATATTCAGACCAGATCCTCTTGAATTCATCA[A>T]GGTGATGGGGGCCCAGGATGGACCAATCTCTGGTGAGATAATCAAAGTTGTCCATGATCA-3'
Protein context (NP_001243718.1, residues 1438-1458): RDWSILGPHH[Leu1448His]DEFKRIWSEY

ClinVar aggregate classification (germline): Uncertain significance (1 of 4 stars; one submission).

Submission:

Labcorp Genetics (formerly Invitae), Labcorp
Classification: Uncertain significance. Last evaluated: 2020-01-24. Review status: criteria provided, single submitter. Criteria: Invitae Variant Classification Sherloc (09022015). Collection method: clinical testing. Allele origin: germline.
Comment: Algorithms developed to predict the effect of missense changes on protein structure and function (SIFT, PolyPhen-2, Align-GVGD) all suggest that this variant is likely to be disruptive, but these predictions have not been confirmed by published functional studies and their clinical significance is uncertain. In summary, the available evidence is currently insufficient to determine the role of this variant in disease. Therefore, it has been classified as a Variant of Uncertain Significance. This variant has not been reported in the literature in individuals with CACNA1F-related conditions. This variant is not present in population databases (ExAC no frequency). This sequence change replaces leucine with histidine at codon 1459 of the CACNA1F protein (p.Leu1459His). The leucine residue is highly conserved and there is a moderate physicochemical difference between leucine and histidine.